The following is an entry in ClinVar:

NM_001031689.3(PLAA):c.955C>T (p.His319Tyr)

Gene: PLAA (phospholipase A2 activating protein; minus strand). Cytogenetic location: 9p21.2.
Variant type: single nucleotide variant.
Coding change: c.955C>T on transcript NM_001031689.3 (MANE Select); coding-DNA position 955, C replaced by T.
Protein change: p.His319Tyr; replaces histidine 319 with tyrosine.
Molecular consequence: missense variant.
Genome position (GRCh38, 1-based): chr9:26,923,262, G>A on the plus strand (C>T on the coding strand, the complement: PLAA is on the minus strand). VCF-style: chr9-26923262-G-A. GRCh37 (hg19) VCF-style: chr9-26923260-G-A.
Other names: c.955C>T, p.His319Tyr (NM_001321546.2); short protein forms H319Y.
Identifiers: ClinVar variation 1951860 (VCV001951860.2), dbSNP rs753300259, ClinGen allele CA373132911.

ClinVar aggregate classification (germline): Uncertain significance (1 of 4 stars; one submission).

gnomAD v4.1: 3 of 1,613,798 alleles (0.00019%); highest among the groups gnomAD compares: Admixed American, 0.0017%; no homozygotes.

Submission:

Labcorp Genetics (formerly Invitae), Labcorp
Classification: Uncertain significance. Last evaluated: 2022-08-01. Review status: criteria provided, single submitter. Criteria: Invitae Variant Classification Sherloc (09022015). Collection method: clinical testing. Allele origin: germline.
Comment: This sequence change replaces histidine, which is basic and polar, with tyrosine, which is neutral and polar, at codon 319 of the PLAA protein (p.His319Tyr). This variant is present in population databases (no rsID available, gnomAD 0.01%). This variant has not been reported in the literature in individuals affected with PLAA-related conditions. Algorithms developed to predict the effect of missense changes on protein structure and function are either unavailable or do not agree on the potential impact of this missense change (SIFT: "Deleterious"; PolyPhen-2: "Benign"; Align-GVGD: "Class C0"). In summary, the available evidence is currently insufficient to determine the role of this variant in disease. Therefore, it has been classified as a Variant of Uncertain Significance.